The following is an entry in ClinVar:

NM_001098426.2(SMARCD2):c.673dup (p.Asp225fs)

Gene: SMARCD2 (SWI/SNF related BAF chromatin remodeling complex subunit D2; minus strand). Cytogenetic location: 17q23.3.
Variant type: Duplication.
Coding change: c.673dup on transcript NM_001098426.2 (MANE Select); coding-DNA position 673, one base duplicated (G; older notation c.673dupG).
Protein change: p.Asp225fs; shifts the reading frame from aspartic acid 225.
Molecular consequence: frameshift variant.
Genome position (GRCh38, 1-based): chr17:63,835,462, C duplicated on the plus strand (G on the coding strand, the reverse complement: SMARCD2 is on the minus strand); the first of 4 consecutive C bases (chr17:63,835,462-63,835,465); duplicating any one gives the same sequence. VCF-style (leftmost placement, unchanged base first): chr17-63835461-T-TC. GRCh37 (hg19) VCF-style: chr17-61912821-T-TC.
Other names: c.448dup, p.Asp150fs (NM_001330439.1); c.529dup, p.Asp177fs (NM_001330440.2); short protein forms D150fs, D177fs, D225fs.
Identifiers: ClinVar variation 1451152 (VCV001451152.6), dbSNP rs2040253304, ClinGen allele CA2270104629.

ClinVar aggregate classification (germline): Pathogenic (1 of 4 stars; one submission).

Submission:

Labcorp Genetics (formerly Invitae), Labcorp
Classification: Pathogenic. Last evaluated: 2020-11-26. Review status: criteria provided, single submitter. Criteria: Invitae Variant Classification Sherloc (09022015). Collection method: clinical testing. Allele origin: germline.
Comment: This sequence change creates a premature translational stop signal (p.Asp225Glyfs*17) in the SMARCD2 gene. It is expected to result in an absent or disrupted protein product. Loss-of-function variants in SMARCD2 are known to be pathogenic (PMID: 28369036). This variant is not present in population databases (ExAC no frequency). This variant has not been reported in the literature in individuals with SMARCD2-related conditions. For these reasons, this variant has been classified as Pathogenic.

Literature cited by the submitters: PubMed 28369036.